The following is an entry in ClinVar:

NM_001243279.3(ACSF3):c.-23T>C

Gene: ACSF3 (acyl-CoA synthetase family member 3; plus strand). Cytogenetic location: 16q24.3.
Variant type: single nucleotide variant.
Coding change: c.-23T>C on transcript NM_001243279.3 (MANE Select); 23 bases upstream of the start codon, T replaced by C.
Molecular consequence: 5 prime UTR variant. On other transcripts: non-coding transcript variant (3), intron variant (2).
Genome position (GRCh38, 1-based): chr16:89,098,761, T>C. VCF-style: chr16-89098761-T-C. GRCh37 (hg19) VCF-style: chr16-89165169-T-C.
Other names: c.-23T>C (NM_174917.5); c.-20-1901T>C (NM_001127214.4); c.-129-3843T>C (NM_001284316.2).
Identifiers: ClinVar variation 388732 (VCV000388732.2), dbSNP rs189625890, ClinGen allele CA8237463.
Genomic context (GRCh38, chr16:89,098,761, plus strand): 5'-GTGCCTGCCGCTCTTGTGAACTGCGAACTTCCCCTTACCTCCTCTCTCTGGCTCGGGAGC[T>C]GGGTGAGTTTGAACTTGGCCTCCTTTGCTTTTCTGTGTGCGAACAAGTGGTTGCCTTGTT-3'

ClinVar aggregate classification (germline): Uncertain significance (1 of 4 stars; one submission).

Allele frequency attached by ClinVar (database versions not stated): ExAC 0.00065; 1000 Genomes Project 0.00120; 1000 Genomes Project 30x 0.00125; gnomAD exomes 0.00205 and 0.00285; gnomAD 0.00231 and 0.00240; TOPMed 0.00260.
gnomAD v4.1: 1,225 of 454,162 alleles (0.27%); highest among the groups gnomAD compares: Non-Finnish European, 0.44%; 5 homozygotes.

Submission:

GeneDx
Classification: Uncertain significance. Last evaluated: 2017-10-17. Review status: criteria provided, single submitter. Criteria: GeneDx Variant Classification (06012015). Collection method: clinical testing. Allele origin: germline. Affected: yes.
Comment: The c.-23 T>C variant has not been published as a pathogenic variant, nor has it been reported as a benign variant to our knowledge. The c.-23 T>C variant is observed in 34/8,172 (0.4%) alleles from individuals of Ashkenazi Jewish background and in one apparently homozygous individual in the ExAC dataset (Lek et al., 2016). The c.-23 T>C variant is located within the 5' UTR of the ACSF3 gene at a position that is conserved across species; regulatory variants of the ACSF3 gene have not been previously reported as pathogenic to our knowledge (Stenson et al., 2014). However, in the absence of RNA/functional studies, the actual effect of this sequence change in this individual is unknown. Therefore, based on the currently available information, it is unclear whether this variant is a pathogenic variant or a rare benign variant.